The following is an entry in ClinVar:

ClinVar aggregate classification (germline): Pathogenic (1 of 4 stars; one submission).

Conditions:
Cortical dysplasia-focal epilepsy syndrome (PTHSL1). Also called: Pitt-Hopkins-like syndrome 1. Identifiers: Orphanet 163681, Orphanet 221150, MedGen C2750246, MONDO:0012400, OMIM 610042.

Submission:

Women's Health and Genetics/Laboratory Corporation of America, LabCorp
Classification: Pathogenic for Cortical dysplasia-focal epilepsy syndrome. Last evaluated: 2025-09-15. Review status: criteria provided, single submitter. Criteria: LabCorp Variant Classification Summary - May 2015. Collection method: clinical testing. Allele origin: germline.
Comment: Variant summary: The variant involves the deletion of exons 4-8 in the CNTNAP2 gene. This Copy Number Variant (CNV) is expected to alter the reading frame and predicted to result in a truncation or absence of the encoded protein due to nonsense mediated decay (NMD). A presumed nomenclature of c.(402+1_403-1)_(1348+1_1349-1)del has been designated for the purposes of this classification. The variant was absent in 21694 control chromosomes. To our knowledge, no occurrence of c.(402+1_403-1)_(1348+1_1349-1)del in individuals affected with CNTNAP2-related conditions and no experimental evidence demonstrating its impact on protein function have been reported. ClinVar contains an entry for this variant (Variation ID: 1459759). Based on the evidence outlined above, the variant was classified as pathogenic.

NC_000007.13:g.(146536997_146740998)_(146829602_146997232)del

Gene: CNTNAP2 (contactin associated protein 2; plus strand). Cytogenetic location: 7q35.
Variant type: Deletion.
Identifiers: ClinVar variation 2501202 (VCV002501202.2).